The following is an entry in ClinVar:

NM_001367561.1(DOCK7):c.3346T>C (p.Ser1116Pro)

Gene: DOCK7 (dedicator of cytokinesis 7; minus strand). Cytogenetic location: 1p31.3.
Variant type: single nucleotide variant.
Coding change: c.3346T>C on transcript NM_001367561.1 (MANE Select); coding-DNA position 3346, T replaced by C.
Protein change: p.Ser1116Pro; replaces serine 1116 with proline.
Molecular consequence: missense variant.
Genome position (GRCh38, 1-based): chr1:62,538,016, A>G on the plus strand (T>C on the coding strand, the complement: DOCK7 is on the minus strand). VCF-style: chr1-62538016-A-G. GRCh37 (hg19) VCF-style: chr1-63003687-A-G.
Other names: c.3346T>C, p.Ser1116Pro (NM_001271999.2, NM_001330614.2); c.3253T>C, p.Ser1085Pro (NM_001272000.2, NM_001272001.2, NM_033407.4); short protein forms S1085P, S1116P.
Identifiers: ClinVar variation 643511 (VCV000643511.9), dbSNP rs1571451642, ClinGen allele CA340607428.

ClinVar aggregate classification (germline): Uncertain significance (1 of 4 stars; one submission).

Conditions:
Developmental and epileptic encephalopathy, 23 (DEE23). Also called: Epileptic encephalopathy, early infantile, 23. Identifiers: Orphanet 411986, MedGen C4014492, MONDO:0014371, OMIM 615859.

Submission:

Labcorp Genetics (formerly Invitae), Labcorp
Classification: Uncertain significance for Developmental and epileptic encephalopathy, 23. Last evaluated: 2022-02-24. Review status: criteria provided, single submitter. Criteria: Invitae Variant Classification Sherloc (09022015). Collection method: clinical testing. Allele origin: germline.
Comment: In summary, the available evidence is currently insufficient to determine the role of this variant in disease. Therefore, it has been classified as a Variant of Uncertain Significance. Algorithms developed to predict the effect of missense changes on protein structure and function are either unavailable or do not agree on the potential impact of this missense change (SIFT: "Deleterious"; PolyPhen-2: "Benign"; Align-GVGD: "Class C0"). ClinVar contains an entry for this variant (Variation ID: 643511). This variant has not been reported in the literature in individuals affected with DOCK7-related conditions. This variant is not present in population databases (gnomAD no frequency). This sequence change replaces serine, which is neutral and polar, with proline, which is neutral and non-polar, at codon 1116 of the DOCK7 protein (p.Ser1116Pro).